The following is an entry in ClinVar:

ClinVar aggregate classification (germline): Benign/Likely benign. Review status: criteria provided, multiple submitters, no conflicts (2 of 4 stars). 6 submissions from 6 submitters: Benign (1); Likely benign (1). 4 of the submissions do not count toward it. Last evaluated 2024-07-24.

Conditions:
Intellectual disability. Also called: Intellectual functioning disability; Intellectual developmental disorder; intellectual disabilities. Identifiers: MedGen C3714756, MeSH D008607, MONDO:0001071, HP:0001249.
Rubinstein-Taybi syndrome (RSTS). Identifiers: Orphanet 783, MedGen C0035934, MONDO:0019188.
CREBBP-related disorder. Also called: CREBBP-related disorders; CREBBP-related condition.

Allele frequency attached by ClinVar (database versions not stated): ESP Exome Variant Server 0.00023; gnomAD exomes 0.00040 and 0.00016; ExAC 0.00012; TOPMed 0.00021; gnomAD 0.00019 and 0.00017.
gnomAD v4.1: 595 of 1,613,796 alleles (0.037%); highest among the groups gnomAD compares: Non-Finnish European, 0.049%; no homozygotes.

Submissions (6):

Labcorp Genetics (formerly Invitae), Labcorp
Classification: Likely benign for Rubinstein-Taybi syndrome. Last evaluated: 2024-07-24. Review status: criteria provided, single submitter. Criteria: Invitae Variant Classification Sherloc (09022015). Collection method: clinical testing. Allele origin: germline.

GeneDx
Classification: Benign. Last evaluated: 2019-05-17. Review status: criteria provided, single submitter. Criteria: GeneDx Variant Classification Process June 2021. Collection method: clinical testing. Allele origin: germline. Affected: yes.

PreventionGenetics, part of Exact Sciences
Classification: Likely benign for CREBBP-related condition. Last evaluated: 2021-07-16. Review status: no assertion criteria provided. Collection method: clinical testing. Allele origin: germline. Not counted in ClinVar's aggregate classification.
Comment: This variant is classified as likely benign based on ACMG/AMP sequence variant interpretation guidelines (Richards et al. 2015 PMID: 25741868, with internal and published modifications).

Centre de Biologie Pathologie Génétique, Centre Hospitalier Universitaire de Lille
Classification: Likely benign for Intellectual disability. Last evaluated: 2019-01-01. Review status: no assertion criteria provided. Collection method: clinical testing. Allele origin: inherited. Affected: yes. Not counted in ClinVar's aggregate classification.

Clinical Genetics DNA and cytogenetics Diagnostics Lab, Erasmus MC, Erasmus Medical Center
Classification: Likely benign. Review status: no assertion criteria provided. Collection method: clinical testing. Allele origin: germline. Affected: yes. Study: VKGL Data-share Consensus. Not counted in ClinVar's aggregate classification.

Laboratory of Diagnostic Genome Analysis, Leiden University Medical Center (LUMC)
Classification: Likely benign. Review status: no assertion criteria provided. Collection method: clinical testing. Allele origin: germline. Affected: yes. Study: VKGL Data-share Consensus. Not counted in ClinVar's aggregate classification.

NM_004380.3(CREBBP):c.905G>A (p.Ser302Asn)

Gene: CREBBP (CREB binding lysine acetyltransferase; minus strand). Cytogenetic location: 16p13.3.
Variant type: single nucleotide variant.
Coding change: c.905G>A on transcript NM_004380.3 (MANE Select); coding-DNA position 905, G replaced by A.
Protein change: p.Ser302Asn; replaces serine 302 with asparagine.
Molecular consequence: missense variant.
Genome position (GRCh38, 1-based): chr16:3,810,673, C>T on the plus strand (G>A on the coding strand, the complement: CREBBP is on the minus strand). VCF-style: chr16-3810673-C-T. GRCh37 (hg19) VCF-style: chr16-3860674-C-T.
Other names: c.905G>A, p.Ser302Asn (NM_001079846.1); short protein forms S302N.
Identifiers: ClinVar variation 975520 (VCV000975520.14), dbSNP rs200154055, ClinGen allele CA7870566.